The following is an entry in ClinVar:

NM_000540.3(RYR1):c.13409G>T (p.Gly4470Val)

Gene: RYR1 (ryanodine receptor 1; plus strand). Cytogenetic location: 19q13.2.
Variant type: single nucleotide variant.
Coding change: c.13409G>T on transcript NM_000540.3 (MANE Select); coding-DNA position 13409, G replaced by T.
Protein change: p.Gly4470Val; replaces glycine 4470 with valine.
Molecular consequence: missense variant.
Genome position (GRCh38, 1-based): chr19:38,565,743, G>T. VCF-style: chr19-38565743-G-T. GRCh37 (hg19) VCF-style: chr19-39056383-G-T.
Other names: c.13394G>T, p.Gly4465Val (NM_001042723.2); short protein forms G4470V, G4465V.
Identifiers: ClinVar variation 544376 (VCV000544376.12), dbSNP rs1261297305, ClinGen allele CA405675722.

ClinVar aggregate classification (germline): Uncertain significance. Review status: criteria provided, multiple submitters, no conflicts (2 of 4 stars). 3 submissions from 3 submitters: Uncertain significance (3). Last evaluated 2024-12-19.

Conditions:
Malignant hyperthermia, susceptibility to, 1 (MHS1). Also called: Anesthesia related hyperthermia; Malignant hyperpyrexia; Fulminating hyperpyrexia; Pharmacogenic myopathy; RYR1-Related Malignant Hyperthermia Susceptibility; Malignant hyperthermia suceptibility 1. Identifiers: Orphanet 423, MedGen C2930980, MONDO:0007783, OMIM 145600.
King Denborough syndrome (KDS). Identifiers: MedGen C1840365, MONDO:0020485, OMIM 619542.
Central core myopathy (CMYO1A). Also called: CONGENITAL MYOPATHY 1A, AUTOSOMAL DOMINANT, WITH SUSCEPTIBILITY TO MALIGNANT HYPERTHERMIA; Central core disease; Myopathy, central fibrillar. Identifiers: Orphanet 597, MedGen C5830701, MONDO:0007294, OMIM 117000.
Congenital multicore myopathy with external ophthalmoplegia (CMYO1B). Also called: Minicore myopathy with external ophthalmoplegia; MULTICORE MYOPATHY; MULTIMINICORE DISEASE WITH EXTERNAL OPHTHALMOPLEGIA; Congenital myopathy 1B, autosomal recessive; Minicore myopathy. Identifiers: Orphanet 598, Orphanet 98905, MedGen C1850674, MONDO:0009712, OMIM 255320, HP:0003789.
Congenital myopathy with fiber type disproportion. Also called: Congenital fiber-type disproportion myopathy; Congenital fiber-type disproportion. Identifiers: Orphanet 2020, MedGen C0546264, MONDO:0009711. Inheritance: all.
RYR1-related disorder. Also called: RYR1-related disorders; RYR1-related condition. Identifiers: MedGen CN239331.

Allele frequency attached by ClinVar (database versions not stated): gnomAD 0.00001.
gnomAD v4.1: 2 of 1,425,176 alleles (0.00014%); highest among the groups gnomAD compares: Admixed American, 0.003%; no homozygotes.

Submissions (3):

Labcorp Genetics (formerly Invitae), Labcorp
Classification: Uncertain significance for RYR1-related disorder. Last evaluated: 2024-12-19. Review status: criteria provided, single submitter. Criteria: Invitae Variant Classification Sherloc (09022015). Collection method: clinical testing. Allele origin: germline.
Comment: This sequence change replaces glycine, which is neutral and non-polar, with valine, which is neutral and non-polar, at codon 4470 of the RYR1 protein (p.Gly4470Val). This variant is not present in population databases (gnomAD no frequency). This variant has not been reported in the literature in individuals affected with RYR1-related conditions. ClinVar contains an entry for this variant (Variation ID: 544376). Invitae Evidence Modeling of protein sequence and biophysical properties (such as structural, functional, and spatial information, amino acid conservation, physicochemical variation, residue mobility, and thermodynamic stability) has been performed for this missense variant. However, the output from this modeling did not meet the statistical confidence thresholds required to predict the impact of this variant on RYR1 protein function. In summary, the available evidence is currently insufficient to determine the role of this variant in disease. Therefore, it has been classified as a Variant of Uncertain Significance.

All of Us Research Program, National Institutes of Health
Classification: Uncertain significance for Malignant hyperthermia, susceptibility to, 1. Last evaluated: 2024-09-23. Review status: criteria provided, single submitter. Criteria: ACMG Guidelines, 2015. Collection method: clinical testing. Allele origin: germline. Inheritance: Autosomal dominant inheritance. Observed: 2 variant alleles, 2 heterozygotes.
Comment: This missense variant replaces glycine with valine at codon 4470 of the RYR1 protein. Computational prediction is inconclusive regarding the impact of this variant on protein structure and function (internally defined REVEL score threshold 0.5 < inconclusive < 0.7, PMID: 27666373). To our knowledge, functional studies have not been reported for this variant. This variant has not been reported in individuals affected with RYR1-related disorders in the literature. This variant has not been identified in the general population by the Genome Aggregation Database (gnomAD). The available evidence is insufficient to determine the role of this variant in disease conclusively. Therefore, this variant is classified as a Variant of Uncertain Significance.

This study involves interpretation of variants in research participants for the purpose of population health screening. Participant phenotype was not available at the time of variant classification. Additional details can be found in publication PMID: 35346344, PMCID: PMC8962531

Fulgent Genetics
Classification: Uncertain significance for Central core myopathy; Malignant hyperthermia, susceptibility to, 1; Congenital myopathy 4A, autosomal dominant; Congenital multicore myopathy with external ophthalmoplegia; King Denborough syndrome. Last evaluated: 2021-08-09. Review status: criteria provided, single submitter. Criteria: ACMG Guidelines, 2015. Collection method: clinical testing. Allele origin: unknown.